The following is an entry in ClinVar:

NM_001378454.1(ALMS1):c.707A>G (p.Gln236Arg)

Gene: ALMS1 (ALMS1 centrosome and basal body associated protein; plus strand). Cytogenetic location: 2p13.1.
Variant type: single nucleotide variant.
Coding change: c.707A>G on transcript NM_001378454.1 (MANE Select); coding-DNA position 707, A replaced by G.
Protein change: p.Gln236Arg; replaces glutamine 236 with arginine.
Molecular consequence: missense variant.
Genome position (GRCh38, 1-based): chr2:73,422,917, A>G. VCF-style: chr2-73422917-A-G. GRCh37 (hg19) VCF-style: chr2-73650045-A-G.
Other names: c.710A>G, p.Gln237Arg (NM_015120.4); short protein forms Q236R, Q237R.
Identifiers: ClinVar variation 1757203 (VCV001757203.2), dbSNP rs1671311578, ClinGen allele CA347260130.

ClinVar aggregate classification (germline): Uncertain significance (1 of 4 stars; one submission).

Conditions:
Cardiovascular phenotype. Identifiers: MedGen CN230736.

Allele frequency attached by ClinVar (database versions not stated): TOPMed below 0.00001; gnomAD 0.00001.
gnomAD v4.1: 1 of 1,613,656 alleles (0.000062%); highest among the groups gnomAD compares: Non-Finnish European, 0.000085%; no homozygotes.

Submission:

Ambry Genetics
Classification: Uncertain significance for Cardiovascular phenotype. Last evaluated: 2021-10-27. Review status: criteria provided, single submitter. Criteria: Ambry Variant Classification Scheme 2023. Collection method: clinical testing. Allele origin: germline.
Comment: The p.Q237R variant (also known as c.710A>G), located in coding exon 4 of the ALMS1 gene, results from an A to G substitution at nucleotide position 710. The glutamine at codon 237 is replaced by arginine, an amino acid with highly similar properties. This amino acid position is well conserved in available vertebrate species. In addition, this alteration is predicted to be tolerated by in silico analysis. Since supporting evidence is limited at this time, the clinical significance of this alteration remains unclear.